The following is an entry in ClinVar:

NM_000368.5(TSC1):c.1574G>A (p.Ser525Asn)

Gene: TSC1 (TSC complex subunit 1; minus strand). Cytogenetic location: 9q34.13.
Variant type: single nucleotide variant.
Coding change: c.1574G>A on transcript NM_000368.5 (MANE Select); coding-DNA position 1574, G replaced by A.
Protein change: p.Ser525Asn; replaces serine 525 with asparagine.
Molecular consequence: missense variant.
Genome position (GRCh38, 1-based): chr9:132,906,004, C>T on the plus strand (G>A on the coding strand, the complement: TSC1 is on the minus strand). VCF-style: chr9-132906004-C-T. GRCh37 (hg19) VCF-style: chr9-135781391-C-T.
Other names: c.1571G>A, p.Ser524Asn (NM_001162426.2); c.1421G>A, p.Ser474Asn (NM_001162427.2); c.1211G>A, p.Ser404Asn (NM_001362177.2); c.1574G>A (NM_000368.4); short protein forms S404N, S474N, S524N, S525N.
Identifiers: ClinVar variation 1000167 (VCV001000167.7), dbSNP rs750784794, ClinGen allele CA375365012.
Genomic context (GRCh38, chr9:132,906,004, plus strand): 5'-GGCCCAAGCTTGTCCAGGGAGGAGTGTAAAGGCTCAGGGTTCACGCTGGCGCCCTGAGAA[C>T]TGGAGGCTGCCGAGTGGGTCTTCCGCTGAGAACCTGGGAGACTGTCTCGGTAAAAGGGAG-3'
Protein context (NP_000359.1, residues 515-535): SQRKTHSAAS[Ser525Asn]SQGASVNPEP

ClinVar aggregate classification (germline): Conflicting classifications of pathogenicity. Review status: criteria provided, conflicting classifications (1 of 4 stars). 2 submissions from 2 submitters: Uncertain significance (1); Likely benign (1). Last evaluated 2026-02-09.

Conditions:
Tuberous sclerosis 1 (TSC1). Identifiers: Orphanet 805, MedGen C1854465, MONDO:0008612, OMIM 191100.
Hereditary cancer-predisposing syndrome. Also called: Tumor predisposition; Hereditary neoplastic syndrome; Hereditary Cancer Syndrome; Neoplastic Syndromes, Hereditary. Identifiers: Orphanet 140162, MedGen C0027672, MeSH D009386, MONDO:0015356.

Submissions (2):

Ambry Genetics
Classification: Likely benign for Hereditary cancer-predisposing syndrome. Last evaluated: 2026-02-09. Review status: criteria provided, single submitter. Criteria: Ambry Variant Classification Scheme 2023. Collection method: clinical testing. Allele origin: germline.

Labcorp Genetics (formerly Invitae), Labcorp
Classification: Uncertain significance for Tuberous sclerosis 1. Last evaluated: 2022-01-01. Review status: criteria provided, single submitter. Criteria: Invitae Variant Classification Sherloc (09022015). Collection method: clinical testing. Allele origin: germline.
Comment: This sequence change replaces serine, which is neutral and polar, with asparagine, which is neutral and polar, at codon 525 of the TSC1 protein (p.Ser525Asn). This variant is not present in population databases (gnomAD no frequency). This variant has not been reported in the literature in individuals affected with TSC1-related conditions. ClinVar contains an entry for this variant (Variation ID: 1000167). Algorithms developed to predict the effect of missense changes on protein structure and function output the following: SIFT: "Tolerated"; PolyPhen-2: "Benign"; Align-GVGD: "Class C0". The asparagine amino acid residue is found in multiple mammalian species, which suggests that this missense change does not adversely affect protein function. In summary, the available evidence is currently insufficient to determine the role of this variant in disease. Therefore, it has been classified as a Variant of Uncertain Significance.